The following is an entry in ClinVar:

NM_000492.4(CFTR):c.2858T>C (p.Leu953Ser)

Gene: CFTR (CF transmembrane conductance regulator; plus strand). Cytogenetic location: 7q31.2.
Variant type: single nucleotide variant.
Coding change: c.2858T>C on transcript NM_000492.4 (MANE Select); coding-DNA position 2858, T replaced by C.
Protein change: p.Leu953Ser; replaces leucine 953 with serine.
Molecular consequence: missense variant.
Genome position (GRCh38, 1-based): chr7:117,603,732, T>C. VCF-style: chr7-117603732-T-C. GRCh37 (hg19) VCF-style: chr7-117243786-T-C.
Other names: short protein forms L953S.
Identifiers: ClinVar variation 3266684 (VCV003266684.1).
Genomic context (GRCh38, chr7:117,603,732, plus strand): 5'-GAGGTCTACCACTGGTGCATACTCTAATCACAGTGTCGAAAATTTTACACCACAAAATGT[T>C]ACATTCTGTTCTTCAAGCACCTATGTCAACCCTCAACACGTTGAAAGCAGGTACTTTACT-3'
Protein context (NP_000483.3, residues 943-963): TVSKILHHKM[Leu953Ser]HSVLQAPMST

ClinVar aggregate classification (germline): Uncertain significance (1 of 4 stars; one submission).

Conditions:
Cystic fibrosis (CF). Also called: MUCOVISCIDOSIS. Identifiers: Orphanet 586, MedGen C0010674, MONDO:0009061, OMIM 219700. Disease mechanism: loss of function.

Submission:

Ambry Genetics
Classification: Uncertain significance for Cystic fibrosis. Last evaluated: 2024-06-01. Review status: criteria provided, single submitter. Criteria: Ambry Variant Classification Scheme 2023. Collection method: clinical testing. Allele origin: germline.
Comment: The p.L953S variant (also known as c.2858T>C), located in coding exon 17 of the CFTR gene, results from a T to C substitution at nucleotide position 2858. The leucine at codon 953 is replaced by serine, an amino acid with dissimilar properties. This amino acid position is highly conserved in available vertebrate species. In addition, this alteration is predicted to be deleterious by in silico analysis. Based on the available evidence, the clinical significance of this variant remains unclear.